The following is an entry in ClinVar:

ClinVar aggregate classification (germline): Likely benign. Review status: criteria provided, multiple submitters, no conflicts (2 of 4 stars). 4 submissions from 4 submitters: Likely benign (4). Last evaluated 2026-03-06.

Conditions:
Familial thoracic aortic aneurysm and aortic dissection (TAAD). Also called: Thoracic aortic aneurysms and dissections. Identifiers: Orphanet 91387, MedGen C4707243, MONDO:0019625.
Ehlers-Danlos syndrome, type 4 (EDSVASC). Also called: Ehlers-Danlos Syndrome Type IV; Ehlers-Danlos syndrome vascular type; Ehlers Danlos syndrome, ecchymotic type; Ehlers Danlos syndrome, arterial type; Ehlers Danlos syndrome, Sack-Barabas type. Identifiers: Orphanet 286, MedGen C0268338, MONDO:0017314, OMIM 130050.

Allele frequency attached by ClinVar (database versions not stated): TOPMed below 0.00001; ExAC 0.00001; gnomAD exomes 0.00001 and 0.00002.
gnomAD v4.1: 25 of 1,613,804 alleles (0.0015%); highest among the groups gnomAD compares: Non-Finnish European, 0.0021%; no homozygotes.

Submissions (4):

Women's Health and Genetics/Laboratory Corporation of America, LabCorp
Classification: Likely benign. Last evaluated: 2026-03-06. Review status: criteria provided, single submitter. Criteria: LabCorp Variant Classification Summary - May 2015. Collection method: clinical testing. Allele origin: germline.

Labcorp Genetics (formerly Invitae), Labcorp
Classification: Likely benign for Ehlers-Danlos syndrome, type 4. Last evaluated: 2025-09-23. Review status: criteria provided, single submitter. Criteria: Invitae Variant Classification Sherloc (09022015). Collection method: clinical testing. Allele origin: germline.

All of Us Research Program, National Institutes of Health
Classification: Likely benign for Ehlers-Danlos syndrome, type 4. Last evaluated: 2023-10-02. Review status: criteria provided, single submitter. Criteria: ACMG Guidelines, 2015. Collection method: clinical testing. Allele origin: germline. Inheritance: Autosomal dominant inheritance. Observed: 1 variant allele, 1 heterozygote.
Comment: This study involves interpretation of variants in research participants for the purpose of population health screening. Participant phenotype was not available at the time of variant classification. Additional details can be found in publication PMID: 35346344, PMCID: PMC8962531

Color Diagnostics, LLC DBA Color Health
Classification: Likely benign for Familial thoracic aortic aneurysm and aortic dissection. Last evaluated: 2019-08-20. Review status: criteria provided, single submitter. Criteria: ACMG Guidelines, 2015. Collection method: clinical testing. Allele origin: germline.

NM_000090.4(COL3A1):c.3492G>A (p.Gly1164=)

Gene: COL3A1 (collagen type III alpha 1 chain; plus strand). Cytogenetic location: 2q32.2.
Variant type: single nucleotide variant.
Coding change: c.3492G>A on transcript NM_000090.4 (MANE Select); coding-DNA position 3492, G replaced by A.
Protein change: p.Gly1164=; no amino-acid change (glycine 1164 retained).
Molecular consequence: synonymous variant.
Genome position (GRCh38, 1-based): chr2:189,008,109, G>A. VCF-style: chr2-189008109-G-A. GRCh37 (hg19) VCF-style: chr2-189872835-G-A.
Identifiers: ClinVar variation 920302 (VCV000920302.6), dbSNP rs750595642, ClinGen allele CA076143.